The following is an entry in ClinVar:

ClinVar aggregate classification (germline): Conflicting classifications of pathogenicity. Review status: criteria provided, conflicting classifications (1 of 4 stars). 4 submissions from 4 submitters: Pathogenic (1); Likely pathogenic (1); Uncertain significance (2). Last evaluated 2024-07-30.

Conditions:
Autosomal recessive ataxia, Beauce type. Also called: Spinocerebellar ataxia, autosomal recessive 8; ATAXIA, RECESSIVE, OF BEAUCE; SYNE1 Deficiency; SYNE1-Related Autosomal Recessive Cerebellar Ataxia. Identifiers: Orphanet 88644, MedGen C1853116, MONDO:0012549, OMIM 610743.
Emery-Dreifuss muscular dystrophy 4, autosomal dominant (EDMD4). Also called: EMERY-DREIFUSS MUSCULAR DYSTROPHY 4 WITH VARIABLE FEATURES. Identifiers: Orphanet 261, MedGen C2751807, MONDO:0013071, OMIM 612998.

Allele frequency attached by ClinVar (database versions not stated): 1000 Genomes Project below 0.00001; TOPMed 0.00002; ExAC 0.00003; gnomAD exomes 0.00001 and 0.00002; ESP Exome Variant Server 0.00008; 1000 Genomes Project 30x 0.00031.
gnomAD v4.1: 14 of 1,613,764 alleles (0.00087%); highest among the groups gnomAD compares: Middle Eastern, 0.017%; no homozygotes.

Submissions (4):

Labcorp Genetics (formerly Invitae), Labcorp
Classification: Pathogenic for Emery-Dreifuss muscular dystrophy 4, autosomal dominant; Autosomal recessive ataxia, Beauce type. Last evaluated: 2024-07-30. Review status: criteria provided, single submitter. Criteria: Invitae Variant Classification Sherloc (09022015). Collection method: clinical testing. Allele origin: germline.
Comment: This sequence change creates a premature translational stop signal (p.Arg31*) in the SYNE1 gene. It is expected to result in an absent or disrupted protein product. Loss-of-function variants in SYNE1 are known to be pathogenic (PMID: 19542096, 24319099, 27086870). This variant is present in population databases (rs199708211, gnomAD 0.004%). This variant has not been reported in the literature in individuals affected with SYNE1-related conditions. ClinVar contains an entry for this variant (Variation ID: 634525). For these reasons, this variant has been classified as Pathogenic.

Victorian Clinical Genetics Services, Murdoch Childrens Research Institute
Classification: Likely pathogenic for Autosomal recessive ataxia, Beauce type. Last evaluated: 2020-05-21. Review status: criteria provided, single submitter. Criteria: ACMG Guidelines, 2015. Collection method: clinical testing. Allele origin: germline.
Comment: A heterozygous nonsense variant was identified, NM_033071.3(SYNE1):c.91C>T in exon 3 of 146 of the SYNE1 gene. This nonsense variant is predicted to create a change of arginine to a stop at amino acid position 31 of the protein, NP_149062.1(SYNE1):p.Arg31*, resulting in the loss of normal protein function through nonsense-mediated decay (NMD). The variant is present in the gnomAD population database at a frequency of 0.002% (5 heterozygotes, 0 homozygotes). It has been previously reported in ClinVar as a variant of uncertain significance. Other variants predicted to cause NMD have been reported in ClinVar as pathogenic in individuals with autosomal recessive spinocerebellar ataxia. Based on information available at the time of curation, this variant has been classified as LIKELY PATHOGENIC.

Revvity Omics, Revvity
Classification: Uncertain significance. Last evaluated: 2019-02-01. Review status: criteria provided, single submitter. Criteria: ACMG Guidelines, 2015. Collection method: clinical testing. Allele origin: germline.

Genomic Research Center, Shahid Beheshti University of Medical Sciences
Classification: Uncertain significance for Emery-Dreifuss muscular dystrophy 4, autosomal dominant. Last evaluated: 2019-01-01. Review status: criteria provided, single submitter. Criteria: ACMG Guidelines, 2015. Collection method: clinical testing. Allele origin: unknown. Affected: yes. Observed: 1 variant allele.

Literature cited by the submitters: PubMed 19542096 (cited by Labcorp Genetics (formerly Invitae), Labcorp); PubMed 24319099 (cited by Labcorp Genetics (formerly Invitae), Labcorp); PubMed 27086870 (cited by Labcorp Genetics (formerly Invitae), Labcorp).

NM_182961.4(SYNE1):c.91C>T (p.Arg31Ter)

Gene: SYNE1 (spectrin repeat containing nuclear envelope protein 1; minus strand). Cytogenetic location: 6q25.2.
Variant type: single nucleotide variant.
Coding change: c.91C>T on transcript NM_182961.4 (MANE Select); coding-DNA position 91, C replaced by T.
Protein change: p.Arg31Ter; replaces arginine 31 with a stop codon.
Molecular consequence: nonsense.
Genome position (GRCh38, 1-based): chr6:152,539,998, G>A on the plus strand (C>T on the coding strand, the complement: SYNE1 is on the minus strand). VCF-style: chr6-152539998-G-A. GRCh37 (hg19) VCF-style: chr6-152861133-G-A.
Other names: p.(Arg31Ter); c.91C>T, p.Arg31Ter (NM_033071.5); short protein forms R31*.
Identifiers: ClinVar variation 634525 (VCV000634525.11), dbSNP rs199708211, ClinGen allele CA4059884.
Genomic context (GRCh38, chr6:152,539,998, plus strand): 5'-AATGCTGGGTAGTTTCCTTTACCTTGGCCAGATGAGAGTTGATCCATTTTGTGAAAGTTC[G>A]TTTTTGTACTATCTCTTGCTCATCTAGAAGGAAAAAGAAATCTGGTTAAATAATGTAATA-3'